The following is an entry in ClinVar:

NM_022835.3(PLEKHG2):c.2900C>T (p.Pro967Leu)

Gene: PLEKHG2 (pleckstrin homology and RhoGEF domain containing G2; plus strand). Cytogenetic location: 19q13.2.
Variant type: single nucleotide variant.
Coding change: c.2900C>T on transcript NM_022835.3 (MANE Select); coding-DNA position 2900, C replaced by T.
Protein change: p.Pro967Leu; replaces proline 967 with leucine.
Molecular consequence: missense variant. On other transcripts: intron variant (1).
Genome position (GRCh38, 1-based): chr19:39,424,033, C>T. VCF-style: chr19-39424033-C-T. GRCh37 (hg19) VCF-style: chr19-39914673-C-T.
Other names: c.2723C>T, p.Pro908Leu (NM_001351693.2); c.1678-1205C>T (NM_001351694.2); short protein forms P908L, P967L.
Identifiers: ClinVar variation 1959832 (VCV001959832.3), dbSNP rs151159047, ClinGen allele CA9429892.

ClinVar aggregate classification (germline): Uncertain significance (1 of 4 stars; one submission).

Allele frequency attached by ClinVar (database versions not stated): ExAC 0.00002; gnomAD 0.00005; TOPMed 0.00008; ESP Exome Variant Server 0.00015.
gnomAD v4.1: 52 of 1,614,060 alleles (0.0032%); highest among the groups gnomAD compares: African/African-American, 0.012%; no homozygotes.

Submission:

Labcorp Genetics (formerly Invitae), Labcorp
Classification: Uncertain significance. Last evaluated: 2023-09-13. Review status: criteria provided, single submitter. Criteria: Invitae Variant Classification Sherloc (09022015). Collection method: clinical testing. Allele origin: germline.
Comment: Algorithms developed to predict the effect of missense changes on protein structure and function output the following: SIFT: "Not Available"; PolyPhen-2: "Benign"; Align-GVGD: "Not Available". The leucine amino acid residue is found in multiple mammalian species, which suggests that this missense change does not adversely affect protein function. ClinVar contains an entry for this variant (Variation ID: 1959832). This variant has not been reported in the literature in individuals affected with PLEKHG2-related conditions. This variant is present in population databases (rs151159047, gnomAD 0.01%). This sequence change replaces proline, which is neutral and non-polar, with leucine, which is neutral and non-polar, at codon 967 of the PLEKHG2 protein (p.Pro967Leu). In summary, the available evidence is currently insufficient to determine the role of this variant in disease. Therefore, it has been classified as a Variant of Uncertain Significance.